The following is an entry in ClinVar:

NM_017909.4(RMND1):c.1295T>C (p.Ile432Thr)

Gene: RMND1 (required for meiotic nuclear division 1 homolog; minus strand). Cytogenetic location: 6q25.1.
Variant type: single nucleotide variant.
Coding change: c.1295T>C on transcript NM_017909.4 (MANE Select); coding-DNA position 1295, T replaced by C.
Protein change: p.Ile432Thr; replaces isoleucine 432 with threonine.
Molecular consequence: missense variant.
Genome position (GRCh38, 1-based): chr6:151,405,742, A>G on the plus strand (T>C on the coding strand, the complement: RMND1 is on the minus strand). VCF-style: chr6-151405742-A-G. GRCh37 (hg19) VCF-style: chr6-151726877-A-G.
Other names: c.785T>C, p.Ile262Thr (NM_001271937.2); short protein forms I262T, I432T.
Identifiers: ClinVar variation 1371899 (VCV001371899.7), dbSNP rs1411929426, ClinGen allele CA366091856.

ClinVar aggregate classification (germline): Uncertain significance. Review status: criteria provided, multiple submitters, no conflicts (2 of 4 stars). 2 submissions from 2 submitters: Uncertain significance (2). Last evaluated 2022-06-27.

Conditions:
Combined oxidative phosphorylation defect type 11. Also called: ENCEPHALONEUROMYOPATHY, INFANTILE, DUE TO MITOCHONDRIAL TRANSLATION DEFECT; Combined oxidative phosphorylation deficiency 11. Identifiers: Orphanet 324535, MedGen C5190991, MONDO:0013969, OMIM 614922.

Allele frequency attached by ClinVar (database versions not stated): gnomAD exomes below 0.00001; TOPMed 0.00001.
gnomAD v4.1: 3 of 1,566,622 alleles (0.00019%); highest among the groups gnomAD compares: African/African-American, 0.0027%; no homozygotes.

Submissions (2):

Labcorp Genetics (formerly Invitae), Labcorp
Classification: Uncertain significance. Last evaluated: 2022-06-27. Review status: criteria provided, single submitter. Criteria: Invitae Variant Classification Sherloc (09022015). Collection method: clinical testing. Allele origin: germline.
Comment: In summary, the available evidence is currently insufficient to determine the role of this variant in disease. Therefore, it has been classified as a Variant of Uncertain Significance. Algorithms developed to predict the effect of missense changes on protein structure and function are either unavailable or do not agree on the potential impact of this missense change (SIFT: "Deleterious"; PolyPhen-2: "Probably Damaging"; Align-GVGD: "Class C0"). This variant has not been reported in the literature in individuals affected with RMND1-related conditions. This variant is not present in population databases (gnomAD no frequency). This sequence change replaces isoleucine, which is neutral and non-polar, with threonine, which is neutral and polar, at codon 432 of the RMND1 protein (p.Ile432Thr).

Fulgent Genetics
Classification: Uncertain significance for Combined oxidative phosphorylation defect type 11. Last evaluated: 2021-10-01. Review status: criteria provided, single submitter. Criteria: ACMG Guidelines, 2015. Collection method: clinical testing. Allele origin: unknown.